The following is an entry in ClinVar:

NM_000026.4(ADSL):c.278A>G (p.His93Arg)

Gene: ADSL (adenylosuccinate lyase; plus strand). Cytogenetic location: 22q13.1.
Variant type: single nucleotide variant.
Coding change: c.278A>G on transcript NM_000026.4 (MANE Select); coding-DNA position 278, A replaced by G.
Protein change: p.His93Arg; replaces histidine 93 with arginine.
Molecular consequence: missense variant. On other transcripts: non-coding transcript variant (1).
Genome position (GRCh38, 1-based): chr22:40,349,956, A>G. VCF-style: chr22-40349956-A-G. GRCh37 (hg19) VCF-style: chr22-40745960-A-G.
Other names: c.278A>G, p.His93Arg (NM_001123378.3, NM_001363840.3, NM_001410812.1 and 2 more transcripts); c.86A>G, p.His29Arg (NM_001317923.2); short protein forms H29R, H93R.
Identifiers: ClinVar variation 2010551 (VCV002010551.3), dbSNP rs2044281249, ClinGen allele CA411634944.
Genomic context (GRCh38, chr22:40,349,956, plus strand): 5'-ACTTCAAGATGGCAGCTGAGGAAGAGAAACGTTTACGACATGATGTGATGGCTCACGTGC[A>G]CACATTTGGCCACTGCTGTCCAAAAGCTGCAGGCATTATTCACCTTGGTGCTACTTCTTG-3'
Protein context (NP_000017.1, residues 83-103): RLRHDVMAHV[His93Arg]TFGHCCPKAA

ClinVar aggregate classification (germline): Uncertain significance (1 of 4 stars; one submission).

Conditions:
Adenylosuccinate lyase deficiency (ADSLD). Also called: ADSL DEFICIENCY. Identifiers: Orphanet 46, MedGen C0268126, MONDO:0007068, OMIM 103050.

Submission:

Labcorp Genetics (formerly Invitae), Labcorp
Classification: Uncertain significance for Adenylosuccinate lyase deficiency. Last evaluated: 2022-06-25. Review status: criteria provided, single submitter. Criteria: Invitae Variant Classification Sherloc (09022015). Collection method: clinical testing. Allele origin: germline.
Comment: In summary, the available evidence is currently insufficient to determine the role of this variant in disease. Therefore, it has been classified as a Variant of Uncertain Significance. Algorithms developed to predict the effect of sequence changes on RNA splicing suggest that this variant may create or strengthen a splice site. Algorithms developed to predict the effect of missense changes on protein structure and function (SIFT, PolyPhen-2, Align-GVGD) all suggest that this variant is likely to be disruptive. This variant has not been reported in the literature in individuals affected with ADSL-related conditions. This variant is not present in population databases (gnomAD no frequency). This sequence change replaces histidine, which is basic and polar, with arginine, which is basic and polar, at codon 93 of the ADSL protein (p.His93Arg).